The following is an entry in ClinVar:

ClinVar aggregate classification (germline): Benign/Likely benign. Review status: criteria provided, multiple submitters, no conflicts (2 of 4 stars). 8 submissions from 8 submitters: Benign (6); Likely benign (2). Last evaluated 2026-02-03.

Conditions:
Diamond-Blackfan anemia. Also called: Aase syndrome; Blackfan Diamond syndrome; Aregenerative anemia chronic congenital; Red cell aplasia, pure hereditary; Congenital hypoplastic anemia. Identifiers: Orphanet 124, MedGen C1260899, MeSH D029503, MONDO:0015253, HP:0004810.
Diamond-Blackfan anemia 7 (DBA7). Also called: RPL11-Related Diamond-Blackfan Anemia. Identifiers: Orphanet 124, MedGen C2675512, MONDO:0012938, OMIM 612562.

Allele frequency attached by ClinVar (database versions not stated): 1000 Genomes Project 30x 0.01296; 1000 Genomes Project 0.01298; TOPMed 0.02387; ExAC 0.02515; gnomAD 0.02525; ESP Exome Variant Server 0.02853.
gnomAD v4.1: 57,574 of 1,614,106 alleles (3.6%); highest among the groups gnomAD compares: Non-Finnish European, 4.3%; 1,294 homozygotes.

Submissions (8):

Labcorp Genetics (formerly Invitae), Labcorp
Classification: Benign for Diamond-Blackfan anemia. Last evaluated: 2026-02-03. Review status: criteria provided, single submitter. Criteria: Invitae Variant Classification Sherloc (09022015). Collection method: clinical testing. Allele origin: germline.

Mayo Clinic Laboratories, Mayo Clinic
Classification: Likely benign. Last evaluated: 2025-09-16. Review status: criteria provided, single submitter. Criteria: ACMG Guidelines, 2015. Collection method: clinical testing. Allele origin: germline. Observed: 2 variant alleles.
Comment: BS1, BP4, BP7

ARUP Laboratories, Molecular Genetics and Genomics, ARUP Laboratories
Classification: Benign for Diamond-Blackfan anemia 7. Last evaluated: 2025-06-11. Review status: criteria provided, single submitter. Criteria: ARUP Molecular Germline Variant Investigation Process 2024. Collection method: clinical testing. Allele origin: germline.

Blueprint Genetics
Classification: Likely benign. Last evaluated: 2024-11-26. Review status: criteria provided, single submitter. Criteria: ACMG Guidelines, 2015. Collection method: clinical testing. Allele origin: germline.

Illumina Laboratory Services, Illumina
Classification: Benign for Diamond-Blackfan anemia 7. Last evaluated: 2018-01-12. Review status: criteria provided, single submitter. Criteria: ICSL Variant Classification Criteria 13 December 2019. Collection method: clinical testing. Allele origin: germline.
Comment: This variant was observed in the ICSL laboratory as part of a predisposition screen in an ostensibly healthy population. It had not been previously curated by ICSL or reported in the Human Gene Mutation Database (HGMD: prior to June 1st, 2018), and was therefore a candidate for classification through an automated scoring system. Utilizing variant allele frequency, disease prevalence and penetrance estimates, and inheritance mode, an automated score was calculated to assess if this variant is too frequent to cause the disease. Based on the score and internal cut-off values, a variant classified as benign is not then subjected to further curation. The score for this variant resulted in a classification of benign for this disease.

Ambry Genetics
Classification: Benign for Diamond-Blackfan anemia. Last evaluated: 2017-05-25. Review status: criteria provided, single submitter. Criteria: Ambry Variant Classification Scheme 2023. Collection method: clinical testing. Allele origin: germline.

GeneDx
Classification: Benign. Last evaluated: 2015-03-03. Review status: criteria provided, single submitter. Criteria: GeneDx Variant Classification Process June 2021. Collection method: clinical testing. Allele origin: germline. Affected: yes.

Breakthrough Genomics
Classification: Benign. Review status: criteria provided, single submitter. Criteria: ACMG Guidelines, 2015. Collection method: not provided. Allele origin: germline. Inheritance: Autosomal dominant inheritance. Affected: yes.

NM_000975.5(RPL11):c.339C>T (p.Ile113=)

Gene: RPL11 (ribosomal protein L11; plus strand). Cytogenetic location: 1p36.11.
Variant type: single nucleotide variant.
Coding change: c.339C>T on transcript NM_000975.5 (MANE Select); coding-DNA position 339, C replaced by T.
Protein change: p.Ile113=; no amino-acid change (isoleucine 113 retained).
Molecular consequence: synonymous variant.
Genome position (GRCh38, 1-based): chr1:23,694,734, C>T. VCF-style: chr1-23694734-C-T. GRCh37 (hg19) VCF-style: chr1-24021224-C-T.
Other names: p.Ile113=; c.336C>T, p.Ile112= (NM_001199802.1); c.339C>T, p.Ile113= (LRG_1140t1).
Identifiers: ClinVar variation 296821 (VCV000296821.22), dbSNP rs8880, ClinGen allele CA684261.